The following is an entry in ClinVar:

ClinVar aggregate classification (germline): Uncertain significance. Review status: criteria provided, multiple submitters, no conflicts (2 of 4 stars). 3 submissions from 3 submitters: Uncertain significance (2). 1 of the submissions does not count toward it. Last evaluated 2024-02-22.

Conditions:
Familial adenomatous polyposis 1 (FAP1). Also called: FAMILIAL ADENOMATOUS POLYPOSIS 1, ATTENUATED; POLYPOSIS, ADENOMATOUS INTESTINAL. Identifiers: MedGen C2713442, MONDO:0021056, OMIM 175100. Disease mechanism: loss of function.
Classic or attenuated familial adenomatous polyposis. Identifiers: MedGen CN372698, MONDO:0021057.
Hereditary cancer-predisposing syndrome. Also called: Tumor predisposition; Hereditary neoplastic syndrome; Neoplastic Syndromes, Hereditary; Hereditary Cancer Syndrome. Identifiers: Orphanet 140162, MedGen C0027672, MeSH D009386, MONDO:0015356.

gnomAD v4.1: 1 of 1,613,968 alleles (0.000062%); highest among the groups gnomAD compares: Non-Finnish European, 0.000085%; no homozygotes.

Submissions (3):

Ambry Genetics
Classification: Uncertain significance for Hereditary cancer-predisposing syndrome. Last evaluated: 2024-02-22. Review status: criteria provided, single submitter. Criteria: Ambry Variant Classification Scheme 2023. Collection method: clinical testing. Allele origin: germline.
Comment: The p.R401S variant (also known as c.1203G>T), located in coding exon 9 of the APC gene, results from a G to T substitution at nucleotide position 1203. The arginine at codon 401 is replaced by serine, an amino acid with dissimilar properties. This amino acid position is highly conserved in available vertebrate species. In addition, in silico predictors for this gene do not accurately predict pathogenicity. Since supporting evidence is limited at this time, the clinical significance of this alteration remains unclear.

All of Us Research Program, National Institutes of Health
Classification: Uncertain significance for Classic or attenuated familial adenomatous polyposis. Last evaluated: 2023-08-15. Review status: criteria provided, single submitter. Criteria: ACMG Guidelines, 2015. Collection method: clinical testing. Allele origin: germline. Inheritance: Autosomal dominant inheritance. Observed: 1 variant allele, 1 heterozygote.
Comment: This missense variant replaces arginine with serine at codon 401 of the APC protein. Computational prediction suggests that this variant may not impact protein structure and function (internally defined REVEL score threshold <= 0.5, PMID: 27666373). To our knowledge, functional studies have not been reported for this variant. This variant has not been reported in individuals affected with APC-related disorders in the literature. This variant has not been identified in the general population by the Genome Aggregation Database (gnomAD). The available evidence is insufficient to determine the role of this variant in disease conclusively. Therefore, this variant is classified as a Variant of Uncertain Significance.

This study involves interpretation of variants in research participants for the purpose of population health screening. Participant phenotype was not available at the time of variant classification. Additional details can be found in publication PMID: 35346344, PMCID: PMC8962531

Labcorp Genetics (formerly Invitae), Labcorp
Classification: Uncertain significance for Adenomatous polyposis coli. Last evaluated: 2014-06-11. Review status: no assertion criteria provided. Collection method: clinical testing. Allele origin: germline. Not counted in ClinVar's aggregate classification.
Comment: The interpretation for this sequence variant was made by Invitae based on the ACMG guidelines.

NM_000038.6(APC):c.1203G>T (p.Arg401Ser)

Gene: APC (APC regulator of Wnt signaling pathway; plus strand). Cytogenetic location: 5q22.2.
Variant type: single nucleotide variant.
Coding change: c.1203G>T on transcript NM_000038.6 (MANE Select); coding-DNA position 1203, G replaced by T.
Protein change: p.Arg401Ser; replaces arginine 401 with serine.
Molecular consequence: missense variant. On other transcripts: intron variant (4).
Genome position (GRCh38, 1-based): chr5:112,819,235, G>T. VCF-style: chr5-112819235-G-T. GRCh37 (hg19) VCF-style: chr5-112154932-G-T.
Other names: c.1203G>T, p.Arg401Ser (NM_001127510.3, NM_001354895.2, NM_001354896.2); c.1149G>T, p.Arg383Ser (NM_001127511.3); c.1233G>T, p.Arg411Ser (NM_001354897.2); c.1128G>T, p.Arg376Ser (NM_001354898.2); c.1119G>T, p.Arg373Ser (NM_001354899.2); c.1026G>T, p.Arg342Ser (NM_001354900.2, NM_001354901.2); c.354G>T, p.Arg118Ser (NM_001354906.2); c.964-34G>T (NM_001354902.2); and 3 more; short protein forms R401S, R383S, R411S, R373S, R118S, R342S, R376S.
Identifiers: ClinVar variation 135682 (VCV000135682.4), dbSNP rs587780589, ClinGen allele CA004084.